The following is an entry in ClinVar:

ClinVar aggregate classification (germline): Uncertain significance (1 of 4 stars; one submission).

gnomAD v4.1: 1 of 1,529,994 alleles (0.000065%); highest among the groups gnomAD compares: Non-Finnish European, 0.000089%; no homozygotes.

Submission:

Labcorp Genetics (formerly Invitae), Labcorp
Classification: Uncertain significance. Last evaluated: 2023-03-17. Review status: criteria provided, single submitter. Criteria: Invitae Variant Classification Sherloc (09022015). Collection method: clinical testing. Allele origin: germline.
Comment: In summary, the available evidence is currently insufficient to determine the role of this variant in disease. Therefore, it has been classified as a Variant of Uncertain Significance. Algorithms developed to predict the effect of sequence changes on RNA splicing suggest that this variant may disrupt the consensus splice site. This variant has not been reported in the literature in individuals affected with ADGRV1-related conditions. This variant is not present in population databases (gnomAD no frequency). This sequence change falls in intron 35 of the ADGRV1 gene. It does not directly change the encoded amino acid sequence of the ADGRV1 protein.

NM_032119.4(ADGRV1):c.8287-8T>G

Gene: ADGRV1 (adhesion G protein-coupled receptor V1; plus strand). Cytogenetic location: 5q14.3.
Variant type: single nucleotide variant.
Coding change: c.8287-8T>G on transcript NM_032119.4 (MANE Select); 8 bases into the intron before coding-DNA position 8287, T replaced by G.
Molecular consequence: intron variant.
Genome position (GRCh38, 1-based): chr5:90,704,381, T>G. VCF-style: chr5-90704381-T-G. GRCh37 (hg19) VCF-style: chr5-90000198-T-G.
Identifiers: ClinVar variation 2868113 (VCV002868113.1), dbSNP rs990183207, ClinGen allele CA122802576.